The following is an entry in ClinVar:

ClinVar aggregate classification (germline): Uncertain significance (1 of 4 stars; one submission).

Submission:

Labcorp Genetics (formerly Invitae), Labcorp
Classification: Uncertain significance. Last evaluated: 2022-07-05. Review status: criteria provided, single submitter. Criteria: Invitae Variant Classification Sherloc (09022015). Collection method: clinical testing. Allele origin: germline.
Comment: Experimental studies and prediction algorithms are not available or were not evaluated, and the functional significance of this variant is currently unknown. This variant has not been reported in the literature in individuals affected with FAM161A-related conditions. In summary, the available evidence is currently insufficient to determine the role of this variant in disease. Therefore, it has been classified as a Variant of Uncertain Significance. Information on the frequency of this variant in the gnomAD database is not available, as this variant may be reported differently in the database. This sequence change replaces glutamine, which is neutral and polar, with glutamic acid, which is acidic and polar, at codon 341 of the FAM161A protein (p.Gln341Glu).

NM_001201543.2(FAM161A):c.1020_1021delinsAG (p.Gln341Glu)

Gene: FAM161A (FAM161 centrosomal protein A; minus strand). Cytogenetic location: 2p15.
Variant type: Indel.
Coding change: c.1020_1021delinsAG on transcript NM_001201543.2 (MANE Select); coding-DNA positions 1020 to 1021, GC replaced by AG.
Protein change: p.Gln341Glu; replaces glutamine 341 with glutamic acid.
Molecular consequence: missense variant. On other transcripts: non-coding transcript variant (1).
Genome position (GRCh38, 1-based): chr2:61,839,983-61,839,984, GC replaced by CT on the plus strand (GC replaced by AG on the coding strand, the reverse complement: FAM161A is on the minus strand). VCF-style: chr2-61839983-GC-CT. GRCh37 (hg19) VCF-style: chr2-62067118-GC-CT.
Other names: c.1020_1021delinsAG, p.Gln341Glu (NM_032180.3); short protein forms Q341E.
Identifiers: ClinVar variation 2007245 (VCV002007245.4), dbSNP rs2466025310, ClinGen allele CA2580067625.